The following is an entry in ClinVar:

NM_001904.4(CTNNB1):c.1438A>G (p.Met480Val)

Genes: CTNNB1 (catenin beta 1; plus strand), LOC126806659 (BRD4-independent group 4 enhancer GRCh37_chr3:41274918-41276117; plus strand). Cytogenetic location: 3p22.1.
Variant type: single nucleotide variant.
Coding change: c.1438A>G on transcript NM_001904.4 (MANE Select); coding-DNA position 1438, A replaced by G.
Protein change: p.Met480Val; replaces methionine 480 with valine.
Molecular consequence: missense variant.
Genome position (GRCh38, 1-based): chr3:41,233,781, A>G. VCF-style: chr3-41233781-A-G. GRCh37 (hg19) VCF-style: chr3-41275272-A-G.
Other names: c.1438A>G, p.Met480Val (NM_001098209.2, NM_001098210.2); c.1417A>G, p.Met473Val (NM_001330729.2); short protein forms M473V, M480V.
Identifiers: ClinVar variation 3709296 (VCV003709296.2).

ClinVar aggregate classification (germline): Uncertain significance (1 of 4 stars; one submission).

Submission:

Labcorp Genetics (formerly Invitae), Labcorp
Classification: Uncertain significance. Last evaluated: 2024-09-15. Review status: criteria provided, single submitter. Criteria: Invitae Variant Classification Sherloc (09022015). Collection method: clinical testing. Allele origin: germline.
Comment: This sequence change replaces methionine, which is neutral and non-polar, with valine, which is neutral and non-polar, at codon 480 of the CTNNB1 protein (p.Met480Val). This variant is not present in population databases (gnomAD no frequency). This variant has not been reported in the literature in individuals affected with CTNNB1-related conditions. Invitae Evidence Modeling of protein sequence and biophysical properties (such as structural, functional, and spatial information, amino acid conservation, physicochemical variation, residue mobility, and thermodynamic stability) indicates that this missense variant is not expected to disrupt CTNNB1 protein function with a negative predictive value of 80%. In summary, the available evidence is currently insufficient to determine the role of this variant in disease. Therefore, it has been classified as a Variant of Uncertain Significance.